The following is an entry in ClinVar:

NM_005609.4(PYGM):c.1162_1169delinsA (p.Trp388fs)

Gene: PYGM (glycogen phosphorylase, muscle associated; minus strand). Cytogenetic location: 11q13.1.
Variant type: Indel.
Coding change: c.1162_1169delinsA on transcript NM_005609.4 (MANE Select); coding-DNA positions 1162 to 1169, TGGCCGGT replaced by A.
Protein change: p.Trp388fs; shifts the reading frame from tryptophan 388.
Molecular consequence: frameshift variant.
Genome position (GRCh38, 1-based): chr11:64,753,949-64,753,956, ACCGGCCA replaced by T on the plus strand (TGGCCGGT replaced by A on the coding strand, the reverse complement: PYGM is on the minus strand). VCF-style: chr11-64753949-ACCGGCCA-T. GRCh37 (hg19) VCF-style: chr11-64521421-ACCGGCCA-T.
Other names: c.898_905delinsA, p.Trp300fs (NM_001164716.1); c.1162_1169delTGGCCGGTinsA (NM_005609.3); short protein forms W300fs, W388fs.
Identifiers: ClinVar variation 967512 (VCV000967512.10), dbSNP rs2058376262, ClinGen allele CA1139662019.

ClinVar aggregate classification (germline): Pathogenic. Review status: criteria provided, multiple submitters, no conflicts (2 of 4 stars). 5 submissions from 5 submitters: Pathogenic (4). 1 of the submissions does not count toward it. Last evaluated 2025-05-15.

Conditions:
Glycogen storage disease, type V (GSD5). Also called: MCARDLE DISEASE; MUSCLE GLYCOGEN PHOSPHORYLASE DEFICIENCY; MYOPHOSPHORYLASE DEFICIENCY; PYGM DEFICIENCY; McArdle type glycogen storage disease. Identifiers: Orphanet 368, MedGen C0017924, MONDO:0009293, OMIM 232600.

Submissions (5):

Labcorp Genetics (formerly Invitae), Labcorp
Classification: Pathogenic for Glycogen storage disease, type V. Last evaluated: 2025-05-15. Review status: criteria provided, single submitter. Criteria: Invitae Variant Classification Sherloc (09022015). Collection method: clinical testing. Allele origin: germline.
Comment: This sequence change creates a premature translational stop signal (p.Trp388Serfs*34) in the PYGM gene. It is expected to result in an absent or disrupted protein product. Loss-of-function variants in PYGM are known to be pathogenic (PMID: 8316268, 16786513). Information on the frequency of this variant in the gnomAD database is not available, as this variant may be reported differently in the database. This premature translational stop signal has been observed in individuals with McArdle disease (PMID: 11168025, 29143597). For these reasons, this variant has been classified as Pathogenic.

Myriad Genetics, Inc.
Classification: Pathogenic for Glycogen storage disease, type V. Last evaluated: 2024-05-14. Review status: criteria provided, single submitter. Criteria: Myriad Autosomal Dominant, Autosomal Recessive and X-Linked Classification Criteria (2023). Collection method: clinical testing. Allele origin: unknown.
Comment: NM_005609.2(PYGM):c.1162_1169del8ins1(W388Sfs*34) is expected to be pathogenic in the context of glycogen storage disease, PYGM-related. This variant is predicted to lead to an abnormal or absent protein product due to the creation of a premature termination codon in PYGM, a gene where loss-of-function variants are known to be pathogenic. Please note: this variant was assessed in the context of healthy population screening.

Natera, Inc.
Classification: Pathogenic for Glycogen storage disease V. Last evaluated: 2024-03-11. Review status: criteria provided, single submitter. Criteria: Natera Variant Classification Schema (03/2026). Collection method: clinical testing. Allele origin: germline.
Comment: The c.1162_1169delTGGCCGGTinsA variant in PYGM is a frameshift variant predicted to shift the reading frame beginning at codon 388 and leads to a stop codon 34 codons downstream. This variant is expected to result in nonsense mediated decay, truncation, or a dysfunctional protein product. This variant is rare in the general population with a frequency below the threshold expected for the associated phenotype(s). This variant has been observed in one or more individuals affected with the associated recessive disease, as either homozygous or compound heterozygous with a second variant (PMID: 11168025). Given the available evidence, this variant is classified as Pathogenic.

Baylor Genetics
Classification: Pathogenic for Glycogen storage disease, type V. Last evaluated: 2023-06-20. Review status: criteria provided, single submitter. Criteria: ACMG Guidelines, 2015. Collection method: clinical testing. Allele origin: unknown.

OMIM
Classification: Pathogenic for MCARDLE DISEASE. Last evaluated: 2001-01-01. Review status: no assertion criteria provided. Collection method: literature only. Allele origin: germline. Not counted in ClinVar's aggregate classification.

Literature cited by the submitters: PubMed 8316268 (cited by Labcorp Genetics (formerly Invitae), Labcorp); PubMed 16786513 (cited by Labcorp Genetics (formerly Invitae), Labcorp); PubMed 11168025 (cited by 3 submitters); PubMed 29143597 (cited by Labcorp Genetics (formerly Invitae), Labcorp).